The following is an entry in ClinVar:

NM_001039348.3(EFEMP1):c.1450T>C (p.Leu484=)

Gene: EFEMP1 (EGF-like fibulin extracellular matrix protein 1; minus strand). Cytogenetic location: 2p16.1.
Variant type: single nucleotide variant.
Coding change: c.1450T>C on transcript NM_001039348.3 (MANE Select); coding-DNA position 1450, T replaced by C.
Protein change: p.Leu484=; no amino-acid change (leucine 484 retained).
Molecular consequence: synonymous variant.
Genome position (GRCh38, 1-based): chr2:55,867,105, A>G on the plus strand (T>C on the coding strand, the complement: EFEMP1 is on the minus strand). VCF-style: chr2-55867105-A-G. GRCh37 (hg19) VCF-style: chr2-56094240-A-G.
Other names: c.1450T>C, p.Leu484= (NM_001039349.3); c.1450T>C (NM_001039348.2).
Identifiers: ClinVar variation 1571980 (VCV001571980.11), dbSNP rs1391650528, ClinGen allele CA426224668.

ClinVar aggregate classification (germline): Likely benign. Review status: criteria provided, multiple submitters, no conflicts (2 of 4 stars). 3 submissions from 3 submitters: Likely benign (3). Last evaluated 2025-11-18.

Conditions:
EFEMP1-related disorder. Also called: EFEMP1-related condition.

Allele frequency attached by ClinVar (database versions not stated): gnomAD exomes below 0.00001 and 0.00001; gnomAD 0.00001; TOPMed 0.00001.
gnomAD v4.1: 13 of 1,613,324 alleles (0.00081%); highest among the groups gnomAD compares: Non-Finnish European, 0.001%; no homozygotes.

Submissions (3):

Labcorp Genetics (formerly Invitae), Labcorp
Classification: Likely benign. Last evaluated: 2025-11-18. Review status: criteria provided, single submitter. Criteria: Invitae Variant Classification Sherloc (09022015). Collection method: clinical testing. Allele origin: germline.

PreventionGenetics, part of Exact Sciences
Classification: Likely benign for EFEMP1-related condition. Last evaluated: 2025-10-28. Review status: criteria provided, single submitter. Criteria: ACMG Guidelines, 2015. Collection method: clinical testing. Allele origin: germline.
Comment: This variant is classified as likely benign based on ACMG/AMP sequence variant interpretation guidelines (Richards et al. 2015 PMID: 25741868, with internal and published modifications).

Blueprint Genetics
Classification: Likely benign. Last evaluated: 2019-11-01. Review status: criteria provided, single submitter. Criteria: ACMG Guidelines, 2015. Collection method: clinical testing. Allele origin: germline.